The following is an entry in ClinVar:

NM_016366.3(CABP2):c.118G>A (p.Asp40Asn)

Gene: CABP2 (calcium binding protein 2; minus strand). Cytogenetic location: 11q13.2.
Variant type: single nucleotide variant.
Coding change: c.118G>A on transcript NM_016366.3 (MANE Select); coding-DNA position 118, G replaced by A.
Protein change: p.Asp40Asn; replaces aspartic acid 40 with asparagine.
Molecular consequence: missense variant. On other transcripts: synonymous variant (1).
Genome position (GRCh38, 1-based): chr11:67,522,641, C>T on the plus strand (G>A on the coding strand, the complement: CABP2 is on the minus strand). VCF-style: chr11-67522641-C-T. GRCh37 (hg19) VCF-style: chr11-67290112-C-T.
Other names: c.132G>A, p.Gly44= (NM_001318496.2); short protein forms D40N.
Identifiers: ClinVar variation 1313829 (VCV001313829.2), dbSNP rs1170237442, ClinGen allele CA381518480.

ClinVar aggregate classification (germline): Uncertain significance (1 of 4 stars; one submission).

Submission:

GeneDx
Classification: Uncertain significance. Last evaluated: 2021-01-06. Review status: criteria provided, single submitter. Criteria: GeneDx Variant Classification Process June 2021. Collection method: clinical testing. Allele origin: germline. Affected: yes.
Comment: Not observed in large population cohorts (Lek et al., 2016); In silico analysis supports that this missense variant does not alter protein structure/function; Has not been previously published as pathogenic or benign to our knowledge